The following is an entry in ClinVar:

ClinVar aggregate classification (germline): Uncertain significance. Review status: criteria provided, multiple submitters, no conflicts (2 of 4 stars). 2 submissions from 2 submitters: Uncertain significance (2). Last evaluated 2025-03-14.

Conditions:
Ataxia-telangiectasia syndrome (AT). Also called: Cerebello-oculocutaneous telangiectasia; Immunodeficiency with ataxia telangiectasia; Ataxia telangiectasia (A-T); Ataxia-telangiectasia, complementation group E; LOUIS-BAR SYNDROME; Ataxia-telangiectasia. Identifiers: Orphanet 100, MedGen C0004135, MONDO:0008840, OMIM 208900.
Hereditary cancer-predisposing syndrome. Also called: Hereditary neoplastic syndrome; Tumor predisposition; Hereditary Cancer Syndrome; Neoplastic Syndromes, Hereditary. Identifiers: Orphanet 140162, MedGen C0027672, MeSH D009386, MONDO:0015356.

Submissions (2):

Ambry Genetics
Classification: Uncertain significance for Hereditary cancer-predisposing syndrome. Last evaluated: 2025-03-14. Review status: criteria provided, single submitter. Criteria: Ambry Variant Classification Scheme 2023. Collection method: clinical testing. Allele origin: germline.
Comment: The c.4236+5G>A intronic variant results from a G to A substitution 5 nucleotides after coding exon 27 in the ATM gene. This nucleotide position is highly conserved in available vertebrate species. In silico splice site analysis predicts that this alteration will weaken the native splice donor site. Based on the available evidence, the clinical significance of this variant remains unclear.

Labcorp Genetics (formerly Invitae), Labcorp
Classification: Uncertain significance for Ataxia-telangiectasia syndrome. Last evaluated: 2022-09-24. Review status: criteria provided, single submitter. Criteria: Invitae Variant Classification Sherloc (09022015). Collection method: clinical testing. Allele origin: germline.
Comment: This sequence change falls in intron 28 of the ATM gene. It does not directly change the encoded amino acid sequence of the ATM protein. It affects a nucleotide within the consensus splice site. This variant is not present in population databases (gnomAD no frequency). This variant has not been reported in the literature in individuals affected with ATM-related conditions. ClinVar contains an entry for this variant (Variation ID: 577620). Variants that disrupt the consensus splice site are a relatively common cause of aberrant splicing (PMID: 17576681, 9536098). Algorithms developed to predict the effect of sequence changes on RNA splicing suggest that this variant may disrupt the consensus splice site. In summary, the available evidence is currently insufficient to determine the role of this variant in disease. Therefore, it has been classified as a Variant of Uncertain Significance.

Literature cited by the submitters: PubMed 17576681 (cited by Labcorp Genetics (formerly Invitae), Labcorp); PubMed 9536098 (cited by Labcorp Genetics (formerly Invitae), Labcorp).

NM_000051.4(ATM):c.4236+5G>A

Gene: ATM (ATM serine/threonine kinase; plus strand). Cytogenetic location: 11q22.3.
Variant type: single nucleotide variant.
Coding change: c.4236+5G>A on transcript NM_000051.4 (MANE Select); 5 bases into the intron after coding-DNA position 4236, G replaced by A.
Molecular consequence: intron variant.
Genome position (GRCh38, 1-based): chr11:108,289,108, G>A. VCF-style: chr11-108289108-G-A. GRCh37 (hg19) VCF-style: chr11-108159835-G-A.
Other names: c.4236+5G>A (NM_001351834.2).
Identifiers: ClinVar variation 577620 (VCV000577620.6), dbSNP rs1441281768, ClinGen allele CA601720211.